The following is an entry in ClinVar:

NM_000127.3(EXT1):c.357C>A (p.Tyr119Ter)

Gene: EXT1 (exostosin glycosyltransferase 1; minus strand). Cytogenetic location: 8q24.11.
Variant type: single nucleotide variant.
Coding change: c.357C>A on transcript NM_000127.3 (MANE Select); coding-DNA position 357, C replaced by A.
Protein change: p.Tyr119Ter; replaces tyrosine 119 with a stop codon.
Molecular consequence: nonsense.
Genome position (GRCh38, 1-based): chr8:118,110,690, G>T on the plus strand (C>A on the coding strand, the complement: EXT1 is on the minus strand). VCF-style: chr8-118110690-G-T. GRCh37 (hg19) VCF-style: chr8-119122929-G-T.
Other names: short protein forms Y119*.
Identifiers: ClinVar variation 2499 (VCV000002499.4), dbSNP rs119103289, ClinGen allele CA252312.

ClinVar aggregate classification (germline): Pathogenic/Likely pathogenic. Review status: criteria provided, multiple submitters, no conflicts (2 of 4 stars). 4 submissions from 4 submitters: Pathogenic (2); Likely pathogenic (1). 1 of the submissions does not count toward it. Last evaluated 2023-07-06.

Conditions:
EXT1-related disorders.
Exostoses, multiple, type 1 (EXT1). Also called: EXOSTOSES, MULTIPLE, TYPE I; Hereditary Multiple Osteochondromatosis, Type I. Identifiers: MedGen CN263289, MONDO:0007585, OMIM 133700.

Submissions (4):

Blueprint Genetics
Classification: Pathogenic for EXT1-related disorders. Last evaluated: 2023-07-06. Review status: criteria provided, single submitter. Criteria: ACMG Guidelines, 2015. Collection method: clinical testing. Allele origin: germline. Affected: yes. Observed: 2 variant alleles.

GeneDx
Classification: Pathogenic. Last evaluated: 2022-06-13. Review status: criteria provided, single submitter. Criteria: GeneDx Variant Classification Process June 2021. Collection method: clinical testing. Allele origin: germline. Affected: yes.
Comment: Reported in a patient with multiple osteochondromas in published literature (Raskind et al., 1998); however, clinical data is limited; Nonsense variant predicted to result in protein truncation or nonsense mediated decay in a gene for which loss of function is a known mechanism of disease; Not observed at significant frequency in large population cohorts (gnomAD); This variant is associated with the following publications: (PMID: 10679937, 9521425)

Neuberg Centre For Genomic Medicine, NCGM
Classification: Likely pathogenic for Exostoses, multiple, type 1. Review status: criteria provided, single submitter. Criteria: ACMG Guidelines, 2015. Collection method: clinical testing. Allele origin: germline. Inheritance: Autosomal dominant inheritance. Affected: yes.
Comment: The stop gained c.357C>A (p.Tyr119Ter) variant in the EXT1 gene has been reported previously in a patient with multiple osteochondromas (Raskind et al., 1998). This variant is absent in the gnomAD Exomes. It is submitted to ClinVar as Pathogenic. This variant is predicted to cause loss of normal protein function either through protein truncation or nonsense-mediated mRNA decay. Loss of function variants have been previously reported to be disease causing. The nucleotide change c.357C>A in EXT1 is predicted as conserved by GERP++ and PhyloP across 100 vertebrates. Evidence in multiple individuals and additional studies are required to prove the pathogenicity of the variant. For these reasons, this variant has been classified as Likely Pathogenic.

OMIM
Classification: Pathogenic for EXOSTOSES, MULTIPLE, TYPE I. Last evaluated: 1998-01-01. Review status: no assertion criteria provided. Collection method: literature only. Allele origin: germline. Not counted in ClinVar's aggregate classification.

Literature cited by the submitters: PubMed 9521425 (cited by OMIM).